The following is an entry in ClinVar:

ClinVar aggregate classification (germline): Uncertain significance (1 of 4 stars; one submission).

Submission:

Dasa
Classification: Uncertain significance. Last evaluated: 2025-08-19. Review status: criteria provided, single submitter. Criteria: DASA Assertion Criteria. Collection method: clinical testing. Allele origin: germline.
Comment: NM_001258021.2(GRIA1):c.74T>G (p.Leu25Arg) is a missense variant that results in the substitution of leucine with arginine. This variant is absent from population databases. The currently available literature and clinical evidence are not sufficient to establish a definitive association between this variant and the reported condition. Therefore, this variant is classified as a variant of uncertain significance.

NM_000827.4(GRIA1):c.82+1302T>G

Gene: GRIA1 (glutamate ionotropic receptor AMPA type subunit 1; plus strand). Cytogenetic location: 5q33.2.
Variant type: single nucleotide variant.
Coding change: c.82+1302T>G on transcript NM_000827.4 (MANE Select); 1302 bases into the intron after coding-DNA position 82, T replaced by G.
Molecular consequence: intron variant. On other transcripts: missense variant (3).
Genome position (GRCh38, 1-based): chr5:153,492,272, T>G. VCF-style: chr5-153492272-T-G. GRCh37 (hg19) VCF-style: chr5-152871832-T-G.
Other names: c.74T>G, p.Leu25Arg (NM_001258021.2, NM_001258022.2); c.71T>G, p.Leu24Arg (NM_001364166.2); c.-126+940T>G (NM_001364167.2, NM_001258023.1); c.-261+1302T>G (NM_001258020.2); c.82+1302T>G (NM_001114183.2, NM_001364165.2, NM_001258019.2); short protein forms L24R, L25R.
Identifiers: ClinVar variation 4881032 (VCV004881032.2).